The following is an entry in ClinVar:

ClinVar aggregate classification (germline): Likely benign. Review status: criteria provided, single submitter (1 of 4 stars). 2 submissions from 2 submitters: Likely benign (1). 1 of the submissions does not count toward it. Last evaluated 2025-10-21.

Conditions:
CDHR1-related disorder. Also called: CDHR1-related condition.

Allele frequency attached by ClinVar (database versions not stated): ExAC 0.00004; gnomAD exomes 0.00005; ESP Exome Variant Server 0.00015; gnomAD 0.00018 and 0.00019; TOPMed 0.00022.
gnomAD v4.1: 53 of 1,614,126 alleles (0.0033%); highest among the groups gnomAD compares: African/African-American, 0.052%; no homozygotes.

Submissions (2):

Labcorp Genetics (formerly Invitae), Labcorp
Classification: Likely benign. Last evaluated: 2025-10-21. Review status: criteria provided, single submitter. Criteria: Invitae Variant Classification Sherloc (09022015). Collection method: clinical testing. Allele origin: germline.

PreventionGenetics, part of Exact Sciences
Classification: Likely benign for CDHR1-related condition. Last evaluated: 2019-02-18. Review status: no assertion criteria provided. Collection method: clinical testing. Allele origin: germline. Not counted in ClinVar's aggregate classification.
Comment: This variant is classified as likely benign based on ACMG/AMP sequence variant interpretation guidelines (Richards et al. 2015 PMID: 25741868, with internal and published modifications).

NM_033100.4(CDHR1):c.216C>T (p.Ser72=)

Gene: CDHR1 (cadherin related family member 1; plus strand). Cytogenetic location: 10q23.1.
Variant type: single nucleotide variant.
Coding change: c.216C>T on transcript NM_033100.4 (MANE Select); coding-DNA position 216, C replaced by T.
Protein change: p.Ser72=; no amino-acid change (serine 72 retained).
Molecular consequence: synonymous variant.
Genome position (GRCh38, 1-based): chr10:84,196,569, C>T. VCF-style: chr10-84196569-C-T. GRCh37 (hg19) VCF-style: chr10-85956325-C-T.
Other names: c.216C>T, p.Ser72= (NM_001171971.3).
Identifiers: ClinVar variation 738328 (VCV000738328.10), dbSNP rs373438739, ClinGen allele CA5579463.
Genomic context (GRCh38, chr10:84,196,569, plus strand): 5'-TCACGTATACACCCTGAATGGGACAGACCCTGAGGGAGACCCCATCTCCTACCACATCAG[C>T]TTTGACCCCAGCACTAGAAGCGTCTTTTCTGTTGACCCCACTTTTGGAAACATCACCCTG-3'
Protein context (NP_149091.1, residues 62-82): PEGDPISYHI[Ser72=]FDPSTRSVFS